The following is an entry in ClinVar:

ClinVar aggregate classification (germline): Uncertain significance. Review status: criteria provided, multiple submitters, no conflicts (2 of 4 stars). 3 submissions from 3 submitters: Uncertain significance (3). Last evaluated 2025-12-08.

Allele frequency attached by ClinVar (database versions not stated): gnomAD exomes 0.00001 and below 0.00001; ExAC 0.00001; gnomAD 0.00001 and 0.00002; 1000 Genomes Project 30x 0.00016; 1000 Genomes Project 0.00020; TOPMed 0.00003.
gnomAD v4.1: 9 of 1,608,934 alleles (0.00056%); highest among the groups gnomAD compares: Admixed American, 0.0051%; no homozygotes.

Submissions (3):

Ambry Genetics
Classification: Uncertain significance. Last evaluated: 2025-12-08. Review status: criteria provided, single submitter. Criteria: Ambry Variant Classification Scheme 2023. Collection method: clinical testing. Allele origin: germline.

GeneDx
Classification: Uncertain significance. Last evaluated: 2024-06-10. Review status: criteria provided, single submitter. Criteria: GeneDx Variant Classification Process June 2021. Collection method: clinical testing. Allele origin: germline. Affected: yes.
Comment: Not observed at significant frequency in large population cohorts (gnomAD); In silico analysis indicates that this missense variant does not alter protein structure/function; Has not been previously published as pathogenic or benign to our knowledge

Labcorp Genetics (formerly Invitae), Labcorp
Classification: Uncertain significance. Last evaluated: 2023-05-16. Review status: criteria provided, single submitter. Criteria: Invitae Variant Classification Sherloc (09022015). Collection method: clinical testing. Allele origin: germline.
Comment: ClinVar contains an entry for this variant (Variation ID: 1446394). This variant has not been reported in the literature in individuals affected with SBF1-related conditions. This variant is present in population databases (rs546247142, gnomAD 0.006%). This sequence change replaces threonine, which is neutral and polar, with isoleucine, which is neutral and non-polar, at codon 357 of the SBF1 protein (p.Thr357Ile). Advanced modeling of protein sequence and biophysical properties (such as structural, functional, and spatial information, amino acid conservation, physicochemical variation, residue mobility, and thermodynamic stability) performed at Invitae indicates that this missense variant is not expected to disrupt SBF1 protein function. In summary, the available evidence is currently insufficient to determine the role of this variant in disease. Therefore, it has been classified as a Variant of Uncertain Significance.

NM_002972.4(SBF1):c.1070C>T (p.Thr357Ile)

Gene: SBF1 (SET binding factor 1; minus strand). Cytogenetic location: 22q13.33.
Variant type: single nucleotide variant.
Coding change: c.1070C>T on transcript NM_002972.4 (MANE Select); coding-DNA position 1070, C replaced by T.
Protein change: p.Thr357Ile; replaces threonine 357 with isoleucine.
Molecular consequence: missense variant.
Genome position (GRCh38, 1-based): chr22:50,465,782, G>A on the plus strand (C>T on the coding strand, the complement: SBF1 is on the minus strand). VCF-style: chr22-50465782-G-A. GRCh37 (hg19) VCF-style: chr22-50904211-G-A.
Other names: c.1070C>T (NM_002972.2); c.1073C>T, p.Thr358Ile (NM_001365819.1); short protein forms T357I, T358I.
Identifiers: ClinVar variation 1446394 (VCV001446394.10), dbSNP rs546247142, ClinGen allele CA10317849.
Genomic context (GRCh38, chr22:50,465,782, plus strand): 5'-AGTGCCTGGGGTCCCCATGCAGGAGCAGCAACGACCCCCACCTGCATCTTCAGGGAGGAG[G>A]TGGATGTCGTGGGCGGAGGGAAGGCGAGGTCAGCCAACTCCAGCTCCGGGTCCAGGACCT-3'
Protein context (NP_002963.2, residues 347-367): DLAFPPPTTS[Thr357Ile]SSLKMQDKEL